The following is an entry in ClinVar:

ClinVar aggregate classification (germline): Conflicting classifications of pathogenicity. Review status: criteria provided, conflicting classifications (1 of 4 stars). 6 submissions from 6 submitters: Uncertain significance (1); Benign (2); Likely benign (1). 2 of the submissions do not count toward it. Last evaluated 2026-03-01.

Conditions:
ADAMTS2-related disorder. Also called: ADAMTS2-related condition.
Ehlers-Danlos syndrome, dermatosparaxis type. Also called: EDS VIIC; Dermatosparaxis; Ehlers-Danlos syndrome, type VII, autosomal recessive. Identifiers: Orphanet 1901, MedGen C2700425, MONDO:0009161, OMIM 225410.

Allele frequency attached by ClinVar (database versions not stated): gnomAD 0.00009 and 0.00010; gnomAD exomes 0.00010; TOPMed 0.00026.
gnomAD v4.1: 152 of 1,586,926 alleles (0.0096%); highest among the groups gnomAD compares: Admixed American, 0.27%; no homozygotes.

Submissions (6):

CeGaT Center for Human Genetics Tuebingen
Classification: Likely benign. Last evaluated: 2026-03-01. Review status: criteria provided, single submitter. Criteria: CeGaT Center For Human Genetics Tuebingen Variant Classification Criteria Version 2. Collection method: clinical testing. Allele origin: germline. Affected: yes. Observed: 1 variant allele.
Comment: ADAMTS2: BP4, BP7

Labcorp Genetics (formerly Invitae), Labcorp
Classification: Benign for Ehlers-Danlos syndrome, dermatosparaxis type. Last evaluated: 2026-01-25. Review status: criteria provided, single submitter. Criteria: Invitae Variant Classification Sherloc (09022015). Collection method: clinical testing. Allele origin: germline.

Women's Health and Genetics/Laboratory Corporation of America, LabCorp
Classification: Benign. Last evaluated: 2025-10-22. Review status: criteria provided, single submitter. Criteria: LabCorp Variant Classification Summary - May 2015. Collection method: clinical testing. Allele origin: germline.
Comment: Variant summary: ADAMTS2 c.423C>T alters a conserved nucleotide resulting in a synonymous change. Several computational tools predict a significant impact on normal splicing: Four predict the variant creates a cryptic 5' donor site. However, these predictions have yet to be confirmed by functional studies. The variant allele was found at a frequency of 0.00056 in 194052 control chromosomes, predominantly at a frequency of 0.0039 within the Latino subpopulation in the gnomAD database. The observed variant frequency within Latino control individuals in the gnomAD database exceeds the estimated maximal expected allele frequency for disease-causing variants in ADAMTS2. To our knowledge, no occurrence of c.423C>T in individuals affected with ADAMTS2-related conditions and no experimental evidence demonstrating its impact on protein function have been reported. ClinVar contains an entry for this variant (Variation ID: 537400). Based on the evidence outlined above, the variant was classified as benign.

GeneDx
Classification: Uncertain significance. Last evaluated: 2020-09-08. Review status: criteria provided, single submitter. Criteria: GeneDx Variant Classification Process June 2021. Collection method: clinical testing. Allele origin: germline. Affected: yes.
Comment: Has not been previously published as pathogenic or benign to our knowledge; In silico analysis, which includes splice predictors and evolutionary conservation, suggests this variant may impact gene splicing. In the absence of RNA/functional studies, the actual effect of this sequence change is unknown.

PreventionGenetics, part of Exact Sciences
Classification: Likely benign for ADAMTS2-related condition. Last evaluated: 2023-05-23. Review status: no assertion criteria provided. Collection method: clinical testing. Allele origin: germline. Not counted in ClinVar's aggregate classification.
Comment: This variant is classified as likely benign based on ACMG/AMP sequence variant interpretation guidelines (Richards et al. 2015 PMID: 25741868, with internal and published modifications).

Natera, Inc.
Classification: Likely benign for Ehlers-Danlos syndrome type VIIC. Last evaluated: 2020-06-04. Review status: no assertion criteria provided. Collection method: clinical testing. Allele origin: germline. Not counted in ClinVar's aggregate classification.

NM_014244.5(ADAMTS2):c.423C>T (p.Gly141=)

Gene: ADAMTS2 (ADAM metallopeptidase with thrombospondin type 1 motif 2; minus strand). Cytogenetic location: 5q35.3.
Variant type: single nucleotide variant.
Coding change: c.423C>T on transcript NM_014244.5 (MANE Select); coding-DNA position 423, C replaced by T.
Protein change: p.Gly141=; no amino-acid change (glycine 141 retained).
Molecular consequence: synonymous variant.
Genome position (GRCh38, 1-based): chr5:179,343,878, G>A on the plus strand (C>T on the coding strand, the complement: ADAMTS2 is on the minus strand). VCF-style: chr5-179343878-G-A. GRCh37 (hg19) VCF-style: chr5-178770879-G-A.
Other names: c.423C>T, p.Gly141= (NM_021599.4).
Identifiers: ClinVar variation 537400 (VCV000537400.23), dbSNP rs755099137, ClinGen allele CA3596328.